The following is an entry in ClinVar:

ClinVar aggregate classification (germline): Likely benign. Review status: criteria provided, multiple submitters, no conflicts (2 of 4 stars). 3 submissions from 3 submitters: Likely benign (2). 1 of the submissions does not count toward it. Last evaluated 2026-06-01.

Conditions:
ITPR3-related disorder. Also called: ITPR3-related condition.

Allele frequency attached by ClinVar (database versions not stated): gnomAD exomes 0.00036 and 0.00092; ExAC 0.00101; 1000 Genomes Project 30x 0.00250; 1000 Genomes Project 0.00260; gnomAD 0.00294 and 0.00317; TOPMed 0.00332; ESP Exome Variant Server 0.00346.
gnomAD v4.1: 1,005 of 1,614,236 alleles (0.062%); highest among the groups gnomAD compares: African/African-American, 1%; 4 homozygotes.

Submissions (3):

CeGaT Center for Human Genetics Tuebingen
Classification: Likely benign. Last evaluated: 2026-06-01. Review status: criteria provided, single submitter. Criteria: CeGaT Center For Human Genetics Tuebingen Variant Classification Criteria Version 2. Collection method: clinical testing. Allele origin: germline. Affected: yes. Observed: 2 variant alleles.
Comment: ITPR3: PP3, BS1

Labcorp Genetics (formerly Invitae), Labcorp
Classification: Likely benign. Last evaluated: 2019-12-31. Review status: criteria provided, single submitter. Criteria: Invitae Variant Classification Sherloc (09022015). Collection method: clinical testing. Allele origin: germline.

PreventionGenetics, part of Exact Sciences
Classification: Benign for ITPR3-related condition. Last evaluated: 2019-06-11. Review status: no assertion criteria provided. Collection method: clinical testing. Allele origin: germline. Not counted in ClinVar's aggregate classification.
Comment: This variant is classified as benign based on ACMG/AMP sequence variant interpretation guidelines (Richards et al. 2015 PMID: 25741868, with internal and published modifications).

NM_002224.4(ITPR3):c.6883G>A (p.Val2295Met)

Gene: ITPR3 (inositol 1,4,5-trisphosphate receptor type 3; plus strand). Cytogenetic location: 6p21.31.
Variant type: single nucleotide variant.
Coding change: c.6883G>A on transcript NM_002224.4 (MANE Select); coding-DNA position 6883, G replaced by A.
Protein change: p.Val2295Met; replaces valine 2295 with methionine.
Molecular consequence: missense variant.
Genome position (GRCh38, 1-based): chr6:33,690,049, G>A. VCF-style: chr6-33690049-G-A. GRCh37 (hg19) VCF-style: chr6-33657826-G-A.
Other names: short protein forms V2295M.
Identifiers: ClinVar variation 716027 (VCV000716027.14), dbSNP rs59525809, ClinGen allele CA3762050.